The following is an entry in ClinVar:

NC_000005.9:g.(?_112090588)_(112090732_?)del

Gene: APC (APC regulator of Wnt signaling pathway; plus strand). Cytogenetic location: 5q22.2.
Variant type: Deletion.
Identifiers: ClinVar variation 3246374 (VCV003246374.1).

ClinVar aggregate classification (germline): Pathogenic (1 of 4 stars; one submission).

Conditions:
Familial adenomatous polyposis 1 (FAP1). Also called: POLYPOSIS, ADENOMATOUS INTESTINAL; FAMILIAL ADENOMATOUS POLYPOSIS 1, ATTENUATED. Identifiers: MedGen C2713442, MONDO:0021056, OMIM 175100. Disease mechanism: loss of function.

Submission:

Labcorp Genetics (formerly Invitae), Labcorp
Classification: Pathogenic for Familial adenomatous polyposis 1. Last evaluated: 2023-07-16. Review status: criteria provided, single submitter. Criteria: Invitae Variant Classification Sherloc (09022015). Collection method: clinical testing. Allele origin: unknown.
Comment: This variant has not been reported in the literature in individuals affected with APC-related conditions. For these reasons, this variant has been classified as Pathogenic. This variant is a gross deletion of the genomic region encompassing exon(s) 2 of the APC gene, which includes the initiator codon. This deletion extends beyond the assayed region for this gene and therefore may encompass additional genes. It is expected to result in an absent or disrupted protein product. Loss-of-function variants in APC are known to be pathogenic (PMID: 17963004, 20685668).

Literature cited by the submitters: PubMed 17963004; PubMed 20685668.